The following is an entry in ClinVar:

ClinVar aggregate classification (germline): Conflicting classifications of pathogenicity. Review status: criteria provided, conflicting classifications (1 of 4 stars). 2 submissions from 2 submitters: Pathogenic (1); Uncertain significance (1). Last evaluated 2024-03-28.

Allele frequency attached by ClinVar (database versions not stated): gnomAD exomes below 0.00001; ExAC 0.00001; gnomAD 0.00001; TOPMed 0.00001; ESP Exome Variant Server 0.00008.
gnomAD v4.1: 3 of 1,613,838 alleles (0.00019%); highest among the groups gnomAD compares: African/African-American, 0.0013%; no homozygotes.

Submissions (2):

Labcorp Genetics (formerly Invitae), Labcorp
Classification: Pathogenic. Last evaluated: 2024-03-28. Review status: criteria provided, single submitter. Criteria: Invitae Variant Classification Sherloc (09022015). Collection method: clinical testing. Allele origin: germline.
Comment: This sequence change creates a premature translational stop signal (p.Arg4270*) in the FAT1 gene. It is expected to result in an absent or disrupted protein product. Loss-of-function variants in FAT1 are known to be pathogenic (PMID: 30862798). This variant is present in population databases (rs373689624, gnomAD 0.0009%). This premature translational stop signal has been observed in individual(s) with autism spectrum disorder (PMID: 26185613). ClinVar contains an entry for this variant (Variation ID: 1298976). For these reasons, this variant has been classified as Pathogenic.

CeGaT Center for Human Genetics Tuebingen
Classification: Uncertain significance. Last evaluated: 2021-09-01. Review status: criteria provided, single submitter. Criteria: CeGaT Center For Human Genetics Tuebingen Variant Classification Criteria Version 2. Collection method: clinical testing. Allele origin: germline. Affected: yes. Observed: 1 variant allele.

Literature cited by the submitters: PubMed 30862798 (cited by Labcorp Genetics (formerly Invitae), Labcorp); PubMed 26185613 (cited by Labcorp Genetics (formerly Invitae), Labcorp).

NM_005245.4(FAT1):c.12808C>T (p.Arg4270Ter)

Gene: FAT1 (FAT atypical cadherin 1; minus strand). Cytogenetic location: 4q35.2.
Variant type: single nucleotide variant.
Coding change: c.12808C>T on transcript NM_005245.4 (MANE Select); coding-DNA position 12808, C replaced by T.
Protein change: p.Arg4270Ter; replaces arginine 4270 with a stop codon.
Molecular consequence: nonsense.
Genome position (GRCh38, 1-based): chr4:186,596,732, G>A on the plus strand (C>T on the coding strand, the complement: FAT1 is on the minus strand). VCF-style: chr4-186596732-G-A. GRCh37 (hg19) VCF-style: chr4-187517886-G-A.
Other names: short protein forms R4270*.
Identifiers: ClinVar variation 1298976 (VCV001298976.39), dbSNP rs373689624, ClinGen allele CA3164741.